The following is an entry in ClinVar:

NM_001388022.1(TRIM66):c.3637C>T (p.Arg1213Trp)

Gene: TRIM66 (tripartite motif containing 66; minus strand). Cytogenetic location: 11p15.4.
Variant type: single nucleotide variant.
Coding change: c.3637C>T on transcript NM_001388022.1 (MANE Select); coding-DNA position 3637, C replaced by T.
Protein change: p.Arg1213Trp; replaces arginine 1213 with tryptophan.
Molecular consequence: missense variant.
Genome position (GRCh38, 1-based): chr11:8,620,481, G>A on the plus strand (C>T on the coding strand, the complement: TRIM66 is on the minus strand). VCF-style: chr11-8620481-G-A. GRCh37 (hg19) VCF-style: chr11-8642028-G-A.
Other names: NC_000011.9:g.8642028G>A; c.3526C>T, p.Arg1176Trp (NM_001388023.1); c.3553C>T, p.Arg1185Trp (NM_001388024.1); c.3109C>T, p.Arg1037Trp (NM_014818.2); short protein forms R1037W, R1176W, R1185W, R1213W.
Identifiers: ClinVar variation 2641581 (VCV002641581.25), dbSNP rs138444298, ClinGen allele CA5872730.
Genomic context (GRCh38, chr11:8,620,481, plus strand): 5'-CTTGTTTCCAAAGACTCCTCCCTACCTTCTGGTCATACATGCTTAGGCCAGGAGATGCCC[G>A]CATTCCAGGCTGGTTATAGCAGGCATTCTCACAGTCGTACTCCATCTCGGGCTGGGTCAG-3'
Protein context (NP_001374951.1, residues 1203-1223): ENACYNQPGM[Arg1213Trp]ASPGLSMYDQ

ClinVar aggregate classification (germline): Likely benign (1 of 4 stars; one submission).

Allele frequency attached by ClinVar (database versions not stated): TOPMed 0.00289; gnomAD 0.00321; 1000 Genomes Project 30x 0.00328; ESP Exome Variant Server 0.00372; 1000 Genomes Project 0.00379; ExAC 0.00462; gnomAD exomes 0.00473.
gnomAD v4.1: 7,100 of 1,551,766 alleles (0.46%); highest among the groups gnomAD compares: South Asian, 0.68%; 26 homozygotes.

Submissions (2):

CeGaT Center for Human Genetics Tuebingen
Classification: Likely benign. Last evaluated: 2022-09-01. Review status: criteria provided, single submitter. Criteria: CeGaT Center For Human Genetics Tuebingen Variant Classification Criteria Version 2. Collection method: clinical testing. Allele origin: germline. Affected: yes. Observed: 1 variant allele.
Comment: TRIM66: BP4, BS2

Dr. Peter K. Rogan Lab, Western University
No classification provided (evidence only). Condition: Nonpapillary renal cell carcinoma. Review status: no classification provided. Collection method: in vitro. Allele origin: not applicable. Functional consequence: retained intron. Not counted in ClinVar's aggregate classification.